The following is an entry in ClinVar:

NM_001291415.2(KDM6A):c.832_833del (p.Glu278fs)

Gene: KDM6A (lysine demethylase 6A; plus strand). Cytogenetic location: Xp11.3.
Variant type: Deletion.
Coding change: c.832_833del on transcript NM_001291415.2 (MANE Select); coding-DNA positions 832 to 833, 2 bases deleted (GA; older notation c.832_833delGA).
Protein change: p.Glu278fs; shifts the reading frame from glutamic acid 278.
Molecular consequence: frameshift variant. On other transcripts: non-coding transcript variant (1).
Genome position (GRCh38, 1-based): chrX:45,053,912-45,053,913, GA deleted. VCF-style (leftmost placement, unchanged base first): chrX-45053911-GGA-G. GRCh37 (hg19) VCF-style: chrX-44913156-GGA-G.
Other names: c.832_833delGA (NM_021140.4); c.832_833del, p.Glu278fs (NM_001291416.2, NM_001291417.2, NM_001291418.2 and 9 more transcripts); c.79_80del, p.Glu27fs (NM_001291421.2); short protein forms E278fs, E27fs.
Identifiers: ClinVar variation 4856398 (VCV004856398.1).

ClinVar aggregate classification (germline): Pathogenic (1 of 4 stars; one submission).

Conditions:
Kabuki syndrome 2 (KABUK2). Also called: KDM6A-Related Kabuki Syndrome. Identifiers: Orphanet 2322, MedGen C3275495, MONDO:0010465, OMIM 300867.

Submission:

Gansu Provincial Maternity and Child Care Hospital
Classification: Pathogenic for Kabuki syndrome 2. Last evaluated: 2026-06-02. Review status: criteria provided, single submitter. Criteria: ACMG Guidelines, 2015. Collection method: clinical testing. Allele origin: de novo. Inheritance: X-linked dominant inheritance. Affected: yes.
Comment: The c.832_833delGA variant is a frameshift variant that leads to premature termination of translation (PVS1). Parental verification confirmed it as a de novo variant (PS2). This site is not recorded in the gnomAD database (PM2_supporting).This variant is classified as pathogenic.